The following is an entry in ClinVar:

NM_001854.4(COL11A1):c.5132C>T (p.Thr1711Ile)

Genes: COL11A1 (collagen type XI alpha 1 chain; minus strand), LOC126805814 (P300/CBP strongly-dependent group 1 enhancer GRCh37_chr1:103344928-103346127; plus strand). Cytogenetic location: 1p21.1.
Variant type: single nucleotide variant.
Coding change: c.5132C>T on transcript NM_001854.4 (MANE Select); coding-DNA position 5132, C replaced by T.
Protein change: p.Thr1711Ile; replaces threonine 1711 with isoleucine.
Molecular consequence: missense variant. On other transcripts: non-coding transcript variant (1).
Genome position (GRCh38, 1-based): chr1:102,879,825, G>A on the plus strand (C>T on the coding strand, the complement: COL11A1 is on the minus strand). VCF-style: chr1-102879825-G-A. GRCh37 (hg19) VCF-style: chr1-103345381-G-A.
Other names: c.5015C>T, p.Thr1672Ile (NM_001190709.2); c.5168C>T, p.Thr1723Ile (NM_080629.3); c.4784C>T, p.Thr1595Ile (NM_080630.4); short protein forms T1595I, T1672I, T1711I, T1723I.
Identifiers: ClinVar variation 1001761 (VCV001001761.17), dbSNP rs139920081, ClinGen allele CA973296.

ClinVar aggregate classification (germline): Conflicting classifications of pathogenicity. Review status: criteria provided, conflicting classifications (1 of 4 stars). 5 submissions from 5 submitters: Uncertain significance (4); Likely benign (1). Last evaluated 2026-06-22.

Conditions:
COL11A1-related disorder. Also called: COL11A1-related disorders; COL11A1-related condition.
Inborn genetic diseases. Identifiers: MedGen C0950123, MeSH D030342.

Allele frequency attached by ClinVar (database versions not stated): gnomAD exomes 0.00001 and 0.00003; ExAC 0.00006; TOPMed 0.00013; gnomAD 0.00016 and 0.00018; ESP Exome Variant Server 0.00023; 1000 Genomes Project 30x 0.00031; 1000 Genomes Project 0.00040.
gnomAD v4.1: 37 of 1,613,984 alleles (0.0023%); highest among the groups gnomAD compares: African/African-American, 0.047%; no homozygotes.

Submissions (5):

PreventionGenetics, part of Exact Sciences
Classification: Uncertain significance for COL11A1-related condition. Last evaluated: 2026-06-22. Review status: criteria provided, single submitter. Criteria: ACMG Guidelines, 2015. Collection method: clinical testing. Allele origin: germline.
Comment: The COL11A1 c.5132C>T variant is predicted to result in the amino acid substitution p.Thr1711Ile. To our knowledge, this variant has not been reported in the literature. This variant is reported in 0.032% of alleles in individuals of African descent in gnomAD. At this time, the clinical significance of this variant is uncertain due to the absence of conclusive functional and genetic evidence.

Labcorp Genetics (formerly Invitae), Labcorp
Classification: Likely benign. Last evaluated: 2025-10-25. Review status: criteria provided, single submitter. Criteria: Invitae Variant Classification Sherloc (09022015). Collection method: clinical testing. Allele origin: germline.

GeneDx
Classification: Uncertain significance. Last evaluated: 2025-03-04. Review status: criteria provided, single submitter. Criteria: GeneDx Variant Classification Process June 2021. Collection method: clinical testing. Allele origin: germline. Affected: yes.
Comment: In silico analysis supports that this missense variant has a deleterious effect on protein structure/function; Not located in the triple helical region, where the majority of pathogenic missense variants occur (HGMD; PMID: 25240749); Has not been previously published as pathogenic or benign to our knowledge; This variant is associated with the following publications: (PMID: 25240749)

Ambry Genetics
Classification: Uncertain significance for Inborn genetic diseases. Last evaluated: 2024-10-07. Review status: criteria provided, single submitter. Criteria: Ambry Variant Classification Scheme 2023. Collection method: clinical testing. Allele origin: germline.

Blueprint Genetics
Classification: Uncertain significance. Last evaluated: 2022-11-25. Review status: criteria provided, single submitter. Criteria: ACMG Guidelines, 2015. Collection method: clinical testing. Allele origin: germline.